The following is an entry in ClinVar:

ClinVar aggregate classification (germline): Uncertain significance (1 of 4 stars; one submission).

Conditions:
Neurodegeneration with brain iron accumulation 5 (NBIA5). Also called: STATIC ENCEPHALOPATHY OF CHILDHOOD WITH NEURODEGENERATION IN ADULTHOOD; Beta-propeller protein-associated neurodegeneration. Identifiers: Orphanet 329284, MedGen C3550973, MONDO:0010476, OMIM 300894.

Submission:

Labcorp Genetics (formerly Invitae), Labcorp
Classification: Uncertain significance for Neurodegeneration with brain iron accumulation 5. Last evaluated: 2025-12-15. Review status: criteria provided, single submitter. Criteria: Invitae Variant Classification Sherloc (09022015). Collection method: clinical testing. Allele origin: germline.
Comment: This sequence change replaces leucine, which is neutral and non-polar, with valine, which is neutral and non-polar, at codon 62 of the WDR45 protein (p.Leu62Val). This variant is not present in population databases (gnomAD no frequency). This variant has not been reported in the literature in individuals affected with WDR45-related conditions. ClinVar contains an entry for this variant (Variation ID: 935230). Invitae Evidence Modeling of protein sequence and biophysical properties (such as structural, functional, and spatial information, amino acid conservation, physicochemical variation, residue mobility, and thermodynamic stability) indicates that this missense variant is not expected to disrupt WDR45 protein function with a negative predictive value of 80%. In summary, the available evidence is currently insufficient to determine the role of this variant in disease. Therefore, it has been classified as a Variant of Uncertain Significance.

NM_001029896.2(WDR45):c.184C>G (p.Leu62Val)

Genes: WDR45 (WD repeat domain 45; minus strand), LOC126863256 (BRD4-independent group 4 enhancer GRCh37_chrX:48934848-48936047; plus strand). Cytogenetic location: Xp11.23.
Variant type: single nucleotide variant.
Coding change: c.184C>G on transcript NM_001029896.2 (MANE Select); coding-DNA position 184, C replaced by G.
Protein change: p.Leu62Val; replaces leucine 62 with valine.
Molecular consequence: missense variant.
Genome position (GRCh38, 1-based): chrX:49,077,694, G>C on the plus strand (C>G on the coding strand, the complement: WDR45 is on the minus strand). VCF-style: chrX-49077694-G-C. GRCh37 (hg19) VCF-style: chrX-48935353-G-C.
Other names: c.184C>G, p.Leu62Val (NM_007075.4); short protein forms L62V.
Identifiers: ClinVar variation 935230 (VCV000935230.10), dbSNP rs2065045713, ClinGen allele CA412949146.